The following is an entry in ClinVar:

NC_000013.10:g.(?_23985349)_(23985388_?)del

Gene: SACS (sacsin molecular chaperone; minus strand). Cytogenetic location: 13q12.12.
Variant type: Deletion.
Identifiers: ClinVar variation 1458292 (VCV001458292.3).

ClinVar aggregate classification (germline): Pathogenic (1 of 4 stars; one submission).

Conditions:
Spastic paraplegia. Identifiers: MedGen C0037772, HP:0001258.

Submission:

Labcorp Genetics (formerly Invitae), Labcorp
Classification: Pathogenic for Spastic paraplegia. Last evaluated: 2021-05-07. Review status: criteria provided, single submitter. Criteria: Invitae Variant Classification Sherloc (09022015). Collection method: clinical testing. Allele origin: germline.
Comment: This variant is a gross deletion of the genomic region encompassing exon(s) 2 of the SACS gene, which includes the initiator codon. The 5' end of this event is unknown as it extends beyond the assayed region for this gene and therefore may encompass additional genes. The 3' boundary is likely confined to intron 2 of the SACS gene. It is expected to result in an absent or disrupted protein product. Loss-of-function variants in SACS are known to be pathogenic (PMID: 18465152, 20876471). This variant has not been reported in the literature in individuals with SACS-related conditions. For these reasons, this variant has been classified as Pathogenic.

Literature cited by the submitters: PubMed 18465152; PubMed 20876471.